The following is an entry in ClinVar:

NM_002230.4(JUP):c.2087-113dup

Gene: JUP (junction plakoglobin; minus strand). Cytogenetic location: 17q21.2.
Variant type: Duplication.
Coding change: c.2087-113dup on transcript NM_002230.4 (MANE Select); 113 bases into the intron before coding-DNA position 2087, one base duplicated (G; older notation c.2087-113dupG).
Molecular consequence: intron variant.
Genome position (GRCh38, 1-based): chr17:41,756,008, C duplicated on the plus strand (G on the coding strand, the reverse complement: JUP is on the minus strand); the first of 4 consecutive C bases (chr17:41,756,008-41,756,011); duplicating any one gives the same sequence. VCF-style (leftmost placement, unchanged base first): chr17-41756007-A-AC. GRCh37 (hg19) VCF-style: chr17-39912259-A-AC.
Other names: c.2087-113dup (NM_001352774.2, NM_021991.4, NM_001352776.2 and 3 more transcripts).
Identifiers: ClinVar variation 672153 (VCV000672153.1), dbSNP rs61064630, ClinGen allele CA290694796.

ClinVar aggregate classification (germline): Benign (1 of 4 stars; one submission).

Submission:

GeneDx
Classification: Benign. Last evaluated: 2018-06-15. Review status: criteria provided, single submitter. Criteria: GeneDx Variant Classification (06012015). Collection method: clinical testing. Allele origin: germline. Affected: yes.
Comment: This variant is considered likely benign or benign based on one or more of the following criteria: it is a conservative change, it occurs at a poorly conserved position in the protein, it is predicted to be benign by multiple in silico algorithms, and/or has population frequency not consistent with disease.